The following is an entry in ClinVar:

ClinVar aggregate classification (germline): Uncertain significance (1 of 4 stars; one submission).

gnomAD v4.1: 3 of 1,614,120 alleles (0.00019%); highest among the groups gnomAD compares: Non-Finnish European, 0.00025%; no homozygotes.

Submission:

Ambry Genetics
Classification: Uncertain significance. Last evaluated: 2025-08-20. Review status: criteria provided, single submitter. Criteria: Ambry Variant Classification Scheme 2023. Collection method: clinical testing. Allele origin: germline.
Comment: The p.L290F variant (also known as c.868C>T), located in coding exon 7 of the RINT1 gene, results from a C to T substitution at nucleotide position 868. The leucine at codon 290 is replaced by phenylalanine, an amino acid with highly similar properties. This amino acid position is conserved. In addition, this alteration is predicted to be tolerated by in silico analysis. Based on the available evidence, the clinical significance of this variant remains unclear.

NM_021930.6(RINT1):c.868C>T (p.Leu290Phe)

Gene: RINT1 (RAD50 interactor 1; plus strand). Cytogenetic location: 7q22.3.
Variant type: single nucleotide variant.
Coding change: c.868C>T on transcript NM_021930.6 (MANE Select); coding-DNA position 868, C replaced by T.
Protein change: p.Leu290Phe; replaces leucine 290 with phenylalanine.
Molecular consequence: missense variant. On other transcripts: 5 prime UTR variant (2), non-coding transcript variant (1), intron variant (1).
Genome position (GRCh38, 1-based): chr7:105,548,582, C>T. VCF-style: chr7-105548582-C-T. GRCh37 (hg19) VCF-style: chr7-105189029-C-T.
Other names: c.634C>T, p.Leu212Phe (NM_001346599.2); c.-152C>T (NM_001346600.2); c.-57C>T (NM_001346601.2); c.-27-1473C>T (NM_001346603.2); short protein forms L290F, L212F.
Identifiers: ClinVar variation 4154623 (VCV004154623.1).